The following is an entry in ClinVar:

NC_000008.10:g.(?_100205084)_(100454883_?)del

Gene: VPS13B (vacuolar protein sorting 13 homolog B; plus strand). Cytogenetic location: 8q22.2.
Variant type: Deletion.
Identifiers: ClinVar variation 1451479 (VCV001451479.6).

ClinVar aggregate classification (germline): Pathogenic (1 of 4 stars; one submission).

Conditions:
Cohen syndrome (COH1). Also called: Cutis verticis gyrata, retinitis pigmentosa, and sensorineural deafness; PEPPER SYNDROME. Identifiers: Orphanet 193, MedGen C0265223, MONDO:0008999, OMIM 216550.

Submission:

Labcorp Genetics (formerly Invitae), Labcorp
Classification: Pathogenic for Cohen syndrome. Last evaluated: 2020-12-24. Review status: criteria provided, single submitter. Criteria: Invitae Variant Classification Sherloc (09022015). Collection method: clinical testing. Allele origin: germline.
Comment: This variant is a gross deletion of the genomic region encompassing exon(s) 17-23 of the VPS13B gene. This deletion is out-of-frame, and is expected to create a premature translational stop signal and result in an absent or disrupted protein product. Loss-of-function variants in VPS13B are known to be pathogenic (PMID: 15141358, 16648375, 20461111). For these reasons, this variant has been classified as Pathogenic. This variant has not been reported in the literature in individuals with VPS13B-related conditions.

Literature cited by the submitters: PubMed 15141358; PubMed 16648375; PubMed 20461111.